The following is an entry in ClinVar:

NM_001171613.2(PREPL):c.775A>G (p.Lys259Glu)

Gene: PREPL (prolyl endopeptidase like; minus strand). Cytogenetic location: 2p21.
Variant type: single nucleotide variant.
Coding change: c.775A>G on transcript NM_001171613.2 (MANE Select); coding-DNA position 775, A replaced by G.
Protein change: p.Lys259Glu; replaces lysine 259 with glutamic acid.
Molecular consequence: missense variant. On other transcripts: intron variant (1).
Genome position (GRCh38, 1-based): chr2:44,338,464, T>C on the plus strand (A>G on the coding strand, the complement: PREPL is on the minus strand). VCF-style: chr2-44338464-T-C. GRCh37 (hg19) VCF-style: chr2-44565603-T-C.
Other names: c.1042A>G, p.Lys348Glu (NM_001042386.2, NM_001171603.1, NM_001171606.2 and 3 more transcripts); c.775A>G, p.Lys259Glu (NM_001171617.1, NM_001374277.1); c.969+683A>G (NM_001042385.2); short protein forms K259E, K348E.
Identifiers: ClinVar variation 2160410 (VCV002160410.3), dbSNP rs748230327, ClinGen allele CA46546361.

ClinVar aggregate classification (germline): Uncertain significance (1 of 4 stars; one submission).

Conditions:
Myasthenic syndrome, congenital, 22 (CMS22). Also called: PREPL DEFICIENCY. Identifiers: MedGen C4479088, MONDO:0044299, OMIM 616224.

gnomAD v4.1: 8 of 1,613,086 alleles (0.0005%); highest among the groups gnomAD compares: South Asian, 0.0011%; no homozygotes.

Submission:

Labcorp Genetics (formerly Invitae), Labcorp
Classification: Uncertain significance for Myasthenic syndrome, congenital, 22. Last evaluated: 2022-08-22. Review status: criteria provided, single submitter. Criteria: Invitae Variant Classification Sherloc (09022015). Collection method: clinical testing. Allele origin: germline.
Comment: In summary, the available evidence is currently insufficient to determine the role of this variant in disease. Therefore, it has been classified as a Variant of Uncertain Significance. Algorithms developed to predict the effect of missense changes on protein structure and function are either unavailable or do not agree on the potential impact of this missense change (SIFT: "Tolerated"; PolyPhen-2: "Possibly Damaging"; Align-GVGD: "Class C0"). This variant has not been reported in the literature in individuals affected with PREPL-related conditions. This variant is not present in population databases (gnomAD no frequency). This sequence change replaces lysine, which is basic and polar, with glutamic acid, which is acidic and polar, at codon 348 of the PREPL protein (p.Lys348Glu).